The following is an entry in ClinVar:

NM_018480.7(TMEM126B):c.133G>C (p.Asp45His)

Gene: TMEM126B (transmembrane protein 126B; plus strand). Cytogenetic location: 11q14.1.
Variant type: single nucleotide variant.
Coding change: c.133G>C on transcript NM_018480.7 (MANE Select); coding-DNA position 133, G replaced by C.
Protein change: p.Asp45His; replaces aspartic acid 45 with histidine.
Molecular consequence: missense variant. On other transcripts: non-coding transcript variant (2), intron variant (2).
Genome position (GRCh38, 1-based): chr11:85,631,738, G>C. VCF-style: chr11-85631738-G-C. GRCh37 (hg19) VCF-style: chr11-85342782-G-C.
Other names: c.73G>C, p.Asp25His (NM_001193537.3, NM_001350395.2); c.43G>C, p.Asp15His (NM_001193538.3, NM_001256546.2, NM_001350396.2); c.133G>C, p.Asp45His (NM_001350394.2); c.66-2348G>C (NM_001256547.2); c.82-2348G>C (NM_001350393.1); short protein forms D15H, D45H, D25H.
Identifiers: ClinVar variation 1486686 (VCV001486686.6), dbSNP rs750029897, ClinGen allele CA381989376.

ClinVar aggregate classification (germline): Uncertain significance (1 of 4 stars; one submission).

gnomAD v4.1: 1 of 1,613,336 alleles (0.000062%); highest among the groups gnomAD compares: Non-Finnish European, 0.000085%; no homozygotes.

Submission:

Labcorp Genetics (formerly Invitae), Labcorp
Classification: Uncertain significance. Last evaluated: 2022-02-24. Review status: criteria provided, single submitter. Criteria: Invitae Variant Classification Sherloc (09022015). Collection method: clinical testing. Allele origin: germline.
Comment: In summary, the available evidence is currently insufficient to determine the role of this variant in disease. Therefore, it has been classified as a Variant of Uncertain Significance. Algorithms developed to predict the effect of sequence changes on RNA splicing suggest that this variant may disrupt the consensus splice site. Algorithms developed to predict the effect of missense changes on protein structure and function are either unavailable or do not agree on the potential impact of this missense change (SIFT: "Deleterious"; PolyPhen-2: "Probably Damaging"; Align-GVGD: "Class C0"). This variant has not been reported in the literature in individuals affected with TMEM126B-related conditions. This variant is not present in population databases (gnomAD no frequency). This sequence change replaces aspartic acid, which is acidic and polar, with histidine, which is basic and polar, at codon 45 of the TMEM126B protein (p.Asp45His).